The following is an entry in ClinVar:

NM_152383.5(DIS3L2):c.1659+5del

Gene: DIS3L2 (DIS3 like 3'-5' exoribonuclease 2; plus strand). Cytogenetic location: 2q37.1.
Variant type: Deletion.
Coding change: c.1659+5del on transcript NM_152383.5 (MANE Select); 5 bases into the intron after coding-DNA position 1659, one base deleted (G; older notation c.1659+5delG).
Molecular consequence: intron variant.
Genome position (GRCh38, 1-based): chr2:232,263,445, G deleted. VCF-style (leftmost placement, unchanged base first): chr2-232263444-AG-A. GRCh37 (hg19) VCF-style: chr2-233128154-AG-A.
Other names: c.1581+83del (NM_001257281.2).
Identifiers: ClinVar variation 853862 (VCV000853862.7), dbSNP rs1693772912, ClinGen allele CA916081399.

ClinVar aggregate classification (germline): Uncertain significance (1 of 4 stars; one submission).

Conditions:
Perlman syndrome (PRLMNS). Identifiers: Orphanet 2849, MedGen C0796113, MONDO:0009965, OMIM 267000.

Allele frequency attached by ClinVar (database versions not stated): TOPMed below 0.00001.

Submission:

Labcorp Genetics (formerly Invitae), Labcorp
Classification: Uncertain significance for Perlman syndrome. Last evaluated: 2024-04-10. Review status: criteria provided, single submitter. Criteria: Invitae Variant Classification Sherloc (09022015). Collection method: clinical testing. Allele origin: germline.
Comment: This sequence change falls in intron 13 of the DIS3L2 gene. It does not directly change the encoded amino acid sequence of the DIS3L2 protein. It affects a nucleotide within the consensus splice site. This variant is not present in population databases (gnomAD no frequency). This variant has not been reported in the literature in individuals affected with DIS3L2-related conditions. ClinVar contains an entry for this variant (Variation ID: 853862). Variants that disrupt the consensus splice site are a relatively common cause of aberrant splicing (PMID: 17576681, 9536098). Algorithms developed to predict the effect of sequence changes on RNA splicing suggest that this variant may disrupt the consensus splice site. In summary, the available evidence is currently insufficient to determine the role of this variant in disease. Therefore, it has been classified as a Variant of Uncertain Significance.

Literature cited by the submitters: PubMed 17576681; PubMed 9536098.